The following is an entry in ClinVar:

ClinVar aggregate classification (germline): Benign/Likely benign. Review status: criteria provided, multiple submitters, no conflicts (2 of 4 stars). 2 submissions from 2 submitters: Benign (1); Likely benign (1). Last evaluated 2019-10-17.

Conditions:
Leigh syndrome (NULS). Also called: LEIGH SYNDROME, NUCLEAR; Leigh Syndrome (mtDNA deletion); Leigh Disease; Subacute necrotizing encephalopathy; Necrotizing encephalopathy infantile subacute of Leigh; Leigh's necrotizing encephalopathy. Identifiers: Orphanet 506, MedGen C2931891, MONDO:0009723, OMIM 256000.

Submissions (2):

Wong Mito Lab, Molecular and Human Genetics, Baylor College of Medicine
Classification: Benign for Leigh syndrome. Last evaluated: 2019-10-17. Review status: criteria provided, single submitter. Criteria: Modified ACMG Guidelines (Unpublished). Collection method: clinical testing. Allele origin: germline.
Comment: The NC_012920.1:m.15777G>A (YP_003024038.1:p.Ser344Asn) variant in MTCYB gene is interpretated to be a Benign variant based on the modified ACMG guidelines (unpublished). This variant meets the following evidence codes: BS1, BS2, BP4

Center for Pediatric Genomic Medicine, Children's Mercy Hospital and Clinics
Classification: Likely benign. Last evaluated: 2017-01-06. Review status: criteria provided, single submitter. Criteria: ACMG Guidelines, 2015. Collection method: clinical testing. Allele origin: germline.
ClinVar note: Converted during submission from Likely Benign to Likely benign.

NC_012920.1(MT-CYB):m.15777G>A

Gene: MT-CYB (mitochondrially encoded cytochrome b; plus strand).
Variant type: single nucleotide variant.
Genome position: chrM-15777-G-A.
Identifiers: ClinVar variation 377195 (VCV000377195.4), dbSNP rs879182710, ClinGen allele CA16603297.
Genomic context (GRCh38, chrMT:15,777, plus strand): 5'-TTTATTGACTCCTAGCCGCAGACCTCCTCATTCTAACCTGAATCGGAGGACAACCAGTAA[G>A]CTACCCTTTTACCATCATTGGACAAGTAGCATCCGTACTATACTTCACAACAATCCTAAT-3'